The following is an entry in ClinVar:

NM_001807.6(CEL):c.1698C>T (p.Ser566=)

Gene: CEL (carboxyl ester lipase; plus strand). Cytogenetic location: 9q34.13.
Variant type: single nucleotide variant.
Coding change: c.1698C>T on transcript NM_001807.6 (MANE Select); coding-DNA position 1698, C replaced by T.
Protein change: p.Ser566=; no amino-acid change (serine 566 retained).
Molecular consequence: synonymous variant.
Genome position (GRCh38, 1-based): chr9:133,071,200, C>T. VCF-style: chr9-133071200-C-T. GRCh37 (hg19) VCF-style: chr9-135946587-C-T.
Identifiers: ClinVar variation 1206445 (VCV001206445.29), dbSNP rs377614653, ClinGen allele CA5303488.
Genomic context (GRCh38, chr9:133,071,200, plus strand): 5'-TCTGGCGCTGCCCACAGTGACCGACCAGGAGGCCACCCCTGTGCCCCCCACAGGGGACTC[C>T]GAGGCCACTCCCGTGCCCCCCACGGGTGACTCCGAGACCGCCCCCGTGCCGCCCACGGGT-3'
Protein context (NP_001798.3, residues 556-576): EATPVPPTGD[Ser566=]EATPVPPTGD

ClinVar aggregate classification (germline): Benign/Likely benign. Review status: criteria provided, multiple submitters, no conflicts (2 of 4 stars). 4 submissions from 4 submitters: Benign (1); Likely benign (3). Last evaluated 2024-11-26.

Allele frequency attached by ClinVar (database versions not stated): gnomAD exomes 0.00085; ExAC 0.00153; gnomAD 0.00302 and 0.00311; TOPMed 0.00313; ESP Exome Variant Server 0.00319; 1000 Genomes Project 0.00339.

Submissions (4):

Blueprint Genetics
Classification: Likely benign. Last evaluated: 2024-11-26. Review status: criteria provided, single submitter. Criteria: ACMG Guidelines, 2015. Collection method: clinical testing. Allele origin: germline.

CeGaT Center for Human Genetics Tuebingen
Classification: Benign. Last evaluated: 2023-09-01. Review status: criteria provided, single submitter. Criteria: CeGaT Center For Human Genetics Tuebingen Variant Classification Criteria Version 2. Collection method: clinical testing. Allele origin: germline. Affected: yes. Observed: 1 variant allele.
Comment: CEL: BP4, BP7, BS1, BS2

GeneDx
Classification: Likely benign. Last evaluated: 2021-05-11. Review status: criteria provided, single submitter. Criteria: GeneDx Variant Classification Process June 2021. Collection method: clinical testing. Allele origin: germline. Affected: yes.

Breakthrough Genomics
Classification: Likely benign. Review status: criteria provided, single submitter. Criteria: ACMG Guidelines, 2015. Collection method: not provided. Allele origin: germline. Inheritance: Autosomal dominant inheritance. Affected: yes.